The following is an entry in ClinVar:

Conditions:
Long QT syndrome 5 (LQT5). Identifiers: Orphanet 101016, Orphanet 768, MedGen C1867904, MONDO:0013372, OMIM 613695.

Submission:

Roden Lab, Vanderbilt University Medical Center
No classification provided (evidence only). Condition: Long QT syndrome 5. Review status: no classification provided. Collection method: in vitro. Allele origin: not applicable. Functional consequence: Effect on ion channel function.
ClinVar note: "not provided" was previously submitted as the classification for the variant. However, the classification appeared to be based only on an observation of functional data so it was converted to no classification on 2025-07-30.

NM_000219.6(KCNE1):c.382T>C (p.Ser128Pro)

Gene: KCNE1 (potassium voltage-gated channel subfamily E regulatory subunit 1; minus strand). Cytogenetic location: 21q22.12.
Variant type: single nucleotide variant.
Coding change: c.382T>C on transcript NM_000219.6 (MANE Select); coding-DNA position 382, T replaced by C.
Protein change: p.Ser128Pro; replaces serine 128 with proline.
Molecular consequence: missense variant.
Genome position (GRCh38, 1-based): chr21:34,449,253, A>G on the plus strand (T>C on the coding strand, the complement: KCNE1 is on the minus strand). VCF-style: chr21-34449253-A-G. GRCh37 (hg19) VCF-style: chr21-35821551-A-G.
Other names: c.382T>C, p.Ser128Pro (NM_001127668.4, NM_001127669.4, NM_001127670.4 and 4 more transcripts); short protein forms S128P.
Identifiers: ClinVar variation 3373874 (VCV003373874.2).